The following is an entry in ClinVar:

NM_194454.3(KRIT1):c.2116A>G (p.Met706Val)

Gene: KRIT1 (KRIT1 ankyrin repeat containing; minus strand). Cytogenetic location: 7q21.2.
Variant type: single nucleotide variant.
Coding change: c.2116A>G on transcript NM_194454.3 (MANE Select); coding-DNA position 2116, A replaced by G.
Protein change: p.Met706Val; replaces methionine 706 with valine.
Molecular consequence: missense variant.
Genome position (GRCh38, 1-based): chr7:92,201,333, T>C on the plus strand (A>G on the coding strand, the complement: KRIT1 is on the minus strand). VCF-style: chr7-92201333-T-C. GRCh37 (hg19) VCF-style: chr7-91830647-T-C.
Other names: c.1972A>G, p.Met658Val (NM_001013406.2, NM_001350669.1, NM_001350670.1); c.1402A>G, p.Met468Val (NM_001350671.1); c.2116A>G, p.Met706Val (NM_001350672.1, NM_001350673.1, NM_001350674.1 and 26 more transcripts); short protein forms M468V, M658V, M706V.
Identifiers: ClinVar variation 2632709 (VCV002632709.1), dbSNP rs1244004015, ClinGen allele CA368166547.
Genomic context (GRCh38, chr7:92,201,333, plus strand): 5'-ATAGTTTATGAAGTCCAAAATAAATGATACTTACCTGTTTTGTATGTACTATAAAGCTCA[T>C]TTTATTTTCCATGCTATGGATCTGAAAACAAGTATCAGTATCTCCCAATTGCCACATAAA-3'
Protein context (NP_919436.1, residues 696-716): CFQIHSMENK[Met706Val]SFIVHTKQAG

ClinVar aggregate classification (germline): Uncertain significance (1 of 4 stars; one submission).

Conditions:
KRIT1-related disorder. Also called: KRIT1-related condition; KRIT1-related disorders.

Allele frequency attached by ClinVar (database versions not stated): gnomAD exomes below 0.00001; gnomAD 0.00001.
gnomAD v4.1: 4 of 1,556,916 alleles (0.00026%); highest among the groups gnomAD compares: Admixed American, 0.0067%; no homozygotes.

Submission:

PreventionGenetics, part of Exact Sciences
Classification: Uncertain significance for KRIT1-related condition. Last evaluated: 2023-06-26. Review status: criteria provided, single submitter. Criteria: ACMG Guidelines, 2015. Collection method: clinical testing. Allele origin: germline.
Comment: The KRIT1 c.2116A>G variant is predicted to result in the amino acid substitution p.Met706Val. To our knowledge, this variant has not been reported in the literature. This variant is reported in 0.0029% of alleles in individuals of Latino descent in gnomAD. At this time, the clinical significance of this variant is uncertain due to the absence of conclusive functional and genetic evidence.